The following is an entry in ClinVar:

ClinVar aggregate classification (germline): Uncertain significance (1 of 4 stars; one submission).

Conditions:
Lynch syndrome 5 (LYNCH5). Also called: Hereditary non-polyposis colorectal cancer, type 5; Colorectal cancer, hereditary nonpolyposis, type 5. Identifiers: Orphanet 144, MedGen C1833477, MONDO:0013710, OMIM 614350. Disease mechanism: loss of function.

Submission:

3billion
Classification: Uncertain significance for Lynch syndrome 5. Last evaluated: 2025-05-20. Review status: criteria provided, single submitter. Criteria: ACMG Guidelines, 2015. Collection method: clinical testing. Allele origin: germline. Affected: yes.
Comment: The variant is not observed in the gnomAD v4.1.0 dataset. Predicted Consequence/Location: Missense variant. The majority of the known disease-causing variants of this gene are variants expected to result in premature termination of the protein. In silico tool predictions suggest damaging effect of the variant on gene or gene product [REVEL: 0.67 (>=0.6, sensitivity 0.68 and specificity 0.92); 3Cnet: 0.41 (> 0.75, sensitivity 0.96 and precision 0.92)]. Different missense changes at the same codon have been reported as of uncertain significance (ClinVar ID: VCV001798864; 3billion dataset). Therefore, this variant is classified as VUS according to the recommendation of ACMG/AMP guideline.

NM_000179.3(MSH6):c.3017A>T (p.Tyr1006Phe)

Gene: MSH6 (mutS homolog 6; plus strand). Cytogenetic location: 2p16.3.
Variant type: single nucleotide variant.
Coding change: c.3017A>T on transcript NM_000179.3 (MANE Select); coding-DNA position 3017, A replaced by T.
Protein change: p.Tyr1006Phe; replaces tyrosine 1006 with phenylalanine.
Molecular consequence: missense variant. On other transcripts: non-coding transcript variant (5), intron variant (2).
Genome position (GRCh38, 1-based): chr2:47,801,000, A>T. VCF-style: chr2-47801000-A-T. GRCh37 (hg19) VCF-style: chr2-48028139-A-T.
Other names: c.2627A>T, p.Tyr876Phe (NM_001281492.2); c.2111A>T, p.Tyr704Phe (NM_001281493.2, NM_001281494.2, NM_001406823.1 and 6 more transcripts); c.3113A>T, p.Tyr1038Phe (NM_001406795.1, NM_001406802.1); c.3017A>T, p.Tyr1006Phe (NM_001406796.1, NM_001406798.1, NM_001406800.1 and 2 more transcripts); c.2720A>T, p.Tyr907Phe (NM_001406797.1, NM_001406801.1, NM_001406805.1 and 10 more transcripts); c.2492A>T, p.Tyr831Phe (NM_001406799.1, NM_001406806.1, NM_001406807.1); c.2939A>T, p.Tyr980Phe (NM_001406804.1); c.2849A>T, p.Tyr950Phe (NM_001406826.1); and 4 more; short protein forms Y1006F, Y1008F, Y1038F, Y321F, Y704F, Y831F, Y876F, Y907F.
Identifiers: ClinVar variation 4855909 (VCV004855909.1).
Genomic context (GRCh38, chr2:47,801,000, plus strand): 5'-CCACTCGCAATTTGCCAGAAGAATACGAGTTGAAATCTACCAAGAAGGGCTGTAAACGAT[A>T]CTGGACCAAAACTATTGAAAAGAAGTTGGCTAATCTCATAAATGCTGAAGAACGGAGGGA-3'
Protein context (NP_000170.1, residues 996-1016): LKSTKKGCKR[Tyr1006Phe]WTKTIEKKLA